The following is an entry in ClinVar:

NM_025193.4(HSD3B7):c.323-1G>C

Gene: HSD3B7 (hydroxy-delta-5-steroid dehydrogenase, 3 beta- and steroid delta-isomerase 7; plus strand). Cytogenetic location: 16p11.2.
Variant type: single nucleotide variant.
Coding change: c.323-1G>C on transcript NM_025193.4 (MANE Select); the canonical splice acceptor site of the intron before coding-DNA position 323, G replaced by C.
Molecular consequence: splice acceptor variant.
Genome position (GRCh38, 1-based): chr16:30,986,422, G>C. VCF-style: chr16-30986422-G-C. GRCh37 (hg19) VCF-style: chr16-30997743-G-C.
Other names: c.323-1G>C (NM_001142777.2, NM_001142778.2).
Identifiers: ClinVar variation 3660663 (VCV003660663.2).

ClinVar aggregate classification (germline): Pathogenic (1 of 4 stars; one submission).

gnomAD v4.1: 1 of 1,613,674 alleles (0.000062%); highest among the groups gnomAD compares: Non-Finnish European, 0.000085%; no homozygotes.

Submission:

Labcorp Genetics (formerly Invitae), Labcorp
Classification: Pathogenic. Last evaluated: 2024-09-11. Review status: criteria provided, single submitter. Criteria: Invitae Variant Classification Sherloc (09022015). Collection method: clinical testing. Allele origin: germline.
Comment: This sequence change affects an acceptor splice site in intron 3 of the HSD3B7 gene. It is expected to disrupt RNA splicing. Variants that disrupt the donor or acceptor splice site typically lead to a loss of protein function (PMID: 16199547), and loss-of-function variants in HSD3B7 are known to be pathogenic (PMID: 12679481). This variant is not present in population databases (gnomAD no frequency). Disruption of this splice site has been observed in individual(s) with cholestasis (internal data). In at least one individual the data is consistent with being in trans (on the opposite chromosome) from a pathogenic variant. Algorithms developed to predict the effect of sequence changes on RNA splicing suggest that this variant may disrupt the consensus splice site. For these reasons, this variant has been classified as Pathogenic.

Literature cited by the submitters: PubMed 16199547; PubMed 12679481.